The following is an entry in ClinVar:

NM_030962.4(SBF2):c.5546C>T (p.Ala1849Val)

Genes: SBF2-AS1 (SBF2 antisense RNA 1; plus strand), SBF2 (SET binding factor 2; minus strand). Cytogenetic location: 11p15.4.
Variant type: single nucleotide variant.
Coding change: c.5546C>T on transcript NM_030962.4 (MANE Select); coding-DNA position 5546, C replaced by T.
Protein change: p.Ala1849Val; replaces alanine 1849 with valine.
Molecular consequence: missense variant.
Genome position (GRCh38, 1-based): chr11:9,780,422, G>A on the plus strand (C>T on the coding strand, the complement: SBF2 is on the minus strand). VCF-style: chr11-9780422-G-A. GRCh37 (hg19) VCF-style: chr11-9801969-G-A.
Other names: c.5642C>T, p.Ala1881Val (NM_001386339.1); c.5417C>T, p.Ala1806Val (NM_001386342.1); short protein forms A1806V, A1849V, A1881V.
Identifiers: ClinVar variation 1401242 (VCV001401242.6), dbSNP rs1048725630, ClinGen allele CA217602888.

ClinVar aggregate classification (germline): Uncertain significance. Review status: criteria provided, multiple submitters, no conflicts (2 of 4 stars). 2 submissions from 2 submitters: Uncertain significance (2). Last evaluated 2025-03-02.

Conditions:
Inborn genetic diseases. Identifiers: MedGen C0950123, MeSH D030342.
Charcot-Marie-Tooth disease type 4. Also called: Charcot-Marie-Tooth disease, type IV; Charcot-Marie-Tooth, Type 4. Identifiers: Orphanet 64749, MedGen C4082197, MONDO:0018995.

Allele frequency attached by ClinVar (database versions not stated): gnomAD exomes 0.00001 and 0.00002; TOPMed 0.00001.
gnomAD v4.1: 14 of 1,613,084 alleles (0.00087%); highest among the groups gnomAD compares: Admixed American, 0.01%; no homozygotes.

Submissions (2):

Labcorp Genetics (formerly Invitae), Labcorp
Classification: Uncertain significance for Charcot-Marie-Tooth disease type 4. Last evaluated: 2025-03-02. Review status: criteria provided, single submitter. Criteria: Invitae Variant Classification Sherloc (09022015). Collection method: clinical testing. Allele origin: germline.
Comment: This sequence change replaces alanine, which is neutral and non-polar, with valine, which is neutral and non-polar, at codon 1849 of the SBF2 protein (p.Ala1849Val). This variant is present in population databases (no rsID available, gnomAD 0.02%). This variant has not been reported in the literature in individuals affected with SBF2-related conditions. ClinVar contains an entry for this variant (Variation ID: 1401242). Invitae Evidence Modeling of protein sequence and biophysical properties (such as structural, functional, and spatial information, amino acid conservation, physicochemical variation, residue mobility, and thermodynamic stability) indicates that this missense variant is expected to disrupt SBF2 protein function with a positive predictive value of 80%. In summary, the available evidence is currently insufficient to determine the role of this variant in disease. Therefore, it has been classified as a Variant of Uncertain Significance.

Ambry Genetics
Classification: Uncertain significance for Inborn genetic diseases. Last evaluated: 2020-12-29. Review status: criteria provided, single submitter. Criteria: Ambry Variant Classification Scheme 2023. Collection method: clinical testing. Allele origin: germline.
Comment: The p.A1849V variant (also known as c.5546C>T), located in coding exon 40 of the SBF2 gene, results from a C to T substitution at nucleotide position 5546. The alanine at codon 1849 is replaced by valine, an amino acid with similar properties. This amino acid position is highly conserved in available vertebrate species. In addition, the in silico prediction for this alteration is inconclusive. Since supporting evidence is limited at this time, the clinical significance of this alteration remains unclear.